The following is an entry in ClinVar:

ClinVar aggregate classification (germline): Uncertain significance. Review status: criteria provided, multiple submitters, no conflicts (2 of 4 stars). 2 submissions from 2 submitters: Uncertain significance (2). Last evaluated 2022-05-01.

Allele frequency attached by ClinVar (database versions not stated): gnomAD exomes below 0.00001 and 0.00002; ESP Exome Variant Server 0.00008.
gnomAD v4.1: 30 of 1,613,414 alleles (0.0019%); highest among the groups gnomAD compares: Non-Finnish European, 0.0025%; no homozygotes.

Submissions (2):

Blueprint Genetics
Classification: Uncertain significance. Last evaluated: 2022-05-01. Review status: criteria provided, single submitter. Criteria: ACMG Guidelines, 2015. Collection method: clinical testing. Allele origin: germline.

GeneDx
Classification: Uncertain significance. Last evaluated: 2020-02-18. Review status: criteria provided, single submitter. Criteria: GeneDx Variant Classification Process June 2021. Collection method: clinical testing. Allele origin: germline. Affected: yes.
Comment: Has not been previously published as pathogenic or benign to our knowledge; In silico analysis supports that this missense variant does not alter protein structure/function; Not located in the triple helical region, where the majority of pathogenic missense variants occur (Stenson et al., 2014)

NM_001854.4(COL11A1):c.898-201A>G

Gene: COL11A1 (collagen type XI alpha 1 chain; minus strand). Cytogenetic location: 1p21.1.
Variant type: single nucleotide variant.
Coding change: c.898-201A>G on transcript NM_001854.4 (MANE Select); 201 bases into the intron before coding-DNA position 898, A replaced by G.
Molecular consequence: intron variant. On other transcripts: missense variant (1).
Genome position (GRCh38, 1-based): chr1:103,025,814, T>C on the plus strand (A>G on the coding strand, the complement: COL11A1 is on the minus strand). VCF-style: chr1-103025814-T-C. GRCh37 (hg19) VCF-style: chr1-103491370-T-C.
Other names: c.919A>G, p.Lys307Glu (NM_080629.3); c.781-201A>G (NM_001190709.2); c.897+402A>G (NM_080630.4); short protein forms K307E.
Identifiers: ClinVar variation 1196356 (VCV001196356.3), dbSNP rs138054633, ClinGen allele CA27712711.